The following is an entry in ClinVar:

NM_024753.5(TTC21B):c.724G>A (p.Asp242Asn)

Gene: TTC21B (tetratricopeptide repeat domain 21B; minus strand). Cytogenetic location: 2q24.3.
Variant type: single nucleotide variant.
Coding change: c.724G>A on transcript NM_024753.5 (MANE Select); coding-DNA position 724, G replaced by A.
Protein change: p.Asp242Asn; replaces aspartic acid 242 with asparagine.
Molecular consequence: missense variant.
Genome position (GRCh38, 1-based): chr2:165,933,044, C>T on the plus strand (G>A on the coding strand, the complement: TTC21B is on the minus strand). VCF-style: chr2-165933044-C-T. GRCh37 (hg19) VCF-style: chr2-166789554-C-T.
Other names: short protein forms D242N.
Identifiers: ClinVar variation 130659 (VCV000130659.61), dbSNP rs74447004, ClinGen allele CA231583.

ClinVar aggregate classification (germline): Benign/Likely benign. Review status: criteria provided, multiple submitters, no conflicts (2 of 4 stars). 14 submissions from 13 submitters: Benign (5); Likely benign (7). 2 of the submissions do not count toward it. Last evaluated 2026-07-01.

Conditions:
Nephronophthisis. Also called: Juvenile Nephronophthisis. Identifiers: Orphanet 655, MedGen C0687120, MONDO:0019005, HP:0000090.
Jeune thoracic dystrophy. Also called: Short-rib thoracic dysplasia; Jeune syndrome; Infantile thoracic dystrophy; Thoracic pelvic phalangeal dystrophy; Jeune's syndrome; Chondroectodermal dysplasia-like syndrome. Identifiers: Orphanet 474, MedGen C0265275, MONDO:0018770.
Asphyxiating thoracic dystrophy 4 (SRTD4). Also called: SHORT-RIB THORACIC DYSPLASIA 4 WITH OR WITHOUT POLYDACTYLY; SHORT-RIB THORACIC DYSPLASIA 4. Identifiers: Orphanet 474, MedGen C3151185, MONDO:0013441, OMIM 613819.
Nephronophthisis 12 (NPHP12). Identifiers: Orphanet 655, MedGen C3151186, MONDO:0013442, OMIM 613820.

Allele frequency attached by ClinVar (database versions not stated): gnomAD exomes 0.00415 and 0.00487; ExAC 0.00433; ESP Exome Variant Server 0.00454; 1000 Genomes Project 0.00200; 1000 Genomes Project 30x 0.00203; gnomAD 0.00356; TOPMed 0.00400.

Submissions (14):

CeGaT Center for Human Genetics Tuebingen
Classification: Likely benign. Last evaluated: 2026-07-01. Review status: criteria provided, single submitter. Criteria: CeGaT Center For Human Genetics Tuebingen Variant Classification Criteria Version 2. Collection method: clinical testing. Allele origin: germline. Affected: yes. Observed: 8 variant alleles.
Comment: TTC21B: PM5, BP4, BS2

Labcorp Genetics (formerly Invitae), Labcorp
Classification: Benign for Jeune thoracic dystrophy; Nephronophthisis. Last evaluated: 2026-02-01. Review status: criteria provided, single submitter. Criteria: Invitae Variant Classification Sherloc (09022015). Collection method: clinical testing. Allele origin: germline.

Blueprint Genetics
Classification: Likely benign. Last evaluated: 2024-11-21. Review status: criteria provided, single submitter. Criteria: ACMG Guidelines, 2015. Collection method: clinical testing. Allele origin: germline.

Mayo Clinic Laboratories, Mayo Clinic
Classification: Benign. Last evaluated: 2023-09-20. Review status: criteria provided, single submitter. Criteria: ACMG Guidelines, 2015. Collection method: clinical testing. Allele origin: germline. Observed: 2 variant alleles.
Comment: BA1, BS2, BS3_supporting

ARUP Laboratories, Molecular Genetics and Genomics, ARUP Laboratories
Classification: Likely benign. Last evaluated: 2019-06-03. Review status: criteria provided, single submitter. Criteria: ARUP Molecular Germline Variant Investigation Process. Collection method: clinical testing. Allele origin: germline.

Genetic Services Laboratory, University of Chicago
Classification: Benign. Last evaluated: 2019-03-05. Review status: criteria provided, single submitter. Criteria: ACMG Guidelines, 2015. Collection method: clinical testing. Allele origin: germline. Affected: no.

GeneDx
Classification: Benign. Last evaluated: 2018-11-01. Review status: criteria provided, single submitter. Criteria: GeneDx Variant Classification Process June 2021. Collection method: clinical testing. Allele origin: germline. Affected: yes.
Comment: This variant is associated with the following publications: (PMID: 21258341, 26874042)

Eurofins Ntd Llc (ga)
Classification: Benign. Last evaluated: 2018-06-15. Review status: criteria provided, single submitter. Criteria: EGL ClinVar v180209 classification definitions. Collection method: clinical testing. Allele origin: germline. Observed: 1 variant allele, 1 heterozygote.

Illumina Laboratory Services, Illumina
Classification: Likely benign for Nephronophthisis 12. Last evaluated: 2018-01-12. Review status: criteria provided, single submitter. Criteria: ICSL Variant Classification Criteria 13 December 2019. Collection method: clinical testing. Allele origin: germline.
Comment: This variant was observed in the ICSL laboratory as part of a predisposition screen in an ostensibly healthy population. It had not been previously curated by ICSL or reported in the Human Gene Mutation Database (HGMD: prior to June 1st, 2018), and was therefore a candidate for classification through an automated scoring system. Utilizing variant allele frequency, disease prevalence and penetrance estimates, and inheritance mode, an automated score was calculated to assess if this variant is too frequent to cause the disease. Based on the score and internal cut-off values, a variant classified as likely benign is not then subjected to further curation. The score for this variant resulted in a classification of likely benign for this disease.

Illumina Laboratory Services, Illumina
Classification: Likely benign for Asphyxiating thoracic dystrophy 4. Last evaluated: 2018-01-12. Review status: criteria provided, single submitter. Criteria: ICSL Variant Classification Criteria 13 December 2019. Collection method: clinical testing. Allele origin: germline.
Comment: the same text as in the submission from Illumina Laboratory Services, Illumina above.

Breakthrough Genomics
Classification: Likely benign. Review status: criteria provided, single submitter. Criteria: ACMG Guidelines, 2015. Collection method: not provided. Allele origin: germline. Inheritance: Autosomal recessive inheritance. Affected: yes.

PreventionGenetics, part of Exact Sciences
Classification: Likely benign. Review status: criteria provided, single submitter. Criteria: ACMG Guidelines, 2015. Collection method: clinical testing. Allele origin: germline.

Genome Diagnostics Laboratory, University Medical Center Utrecht
Classification: Benign. Review status: no assertion criteria provided. Collection method: clinical testing. Allele origin: germline. Affected: yes. Study: VKGL Data-share Consensus. Not counted in ClinVar's aggregate classification.

Laboratory of Diagnostic Genome Analysis, Leiden University Medical Center (LUMC)
Classification: Likely benign. Review status: no assertion criteria provided. Collection method: clinical testing. Allele origin: germline. Affected: yes. Study: VKGL Data-share Consensus. Not counted in ClinVar's aggregate classification.

Literature cited by the submitters: PubMed 21258341 (cited by Mayo Clinic Laboratories, Mayo Clinic and Eurofins Ntd Llc (ga)).